The following is an entry in ClinVar:

ClinVar aggregate classification (germline): Uncertain significance (1 of 4 stars; one submission).

Submission:

Labcorp Genetics (formerly Invitae), Labcorp
Classification: Uncertain significance. Last evaluated: 2023-10-23. Review status: criteria provided, single submitter. Criteria: Invitae Variant Classification Sherloc (09022015). Collection method: clinical testing. Allele origin: germline.
Comment: This sequence change replaces tyrosine, which is neutral and polar, with cysteine, which is neutral and slightly polar, at codon 436 of the SPPL2A protein (p.Tyr436Cys). This variant is not present in population databases (gnomAD no frequency). This variant has not been reported in the literature in individuals affected with SPPL2A-related conditions. An algorithm developed to predict the effect of missense changes on protein structure and function (PolyPhen-2) suggests that this variant is likely to be disruptive. In summary, the available evidence is currently insufficient to determine the role of this variant in disease. Therefore, it has been classified as a Variant of Uncertain Significance.

NM_032802.4(SPPL2A):c.1307A>G (p.Tyr436Cys)

Gene: SPPL2A (signal peptide peptidase like 2A; minus strand). Cytogenetic location: 15q21.2.
Variant type: single nucleotide variant.
Coding change: c.1307A>G on transcript NM_032802.4 (MANE Select); coding-DNA position 1307, A replaced by G.
Protein change: p.Tyr436Cys; replaces tyrosine 436 with cysteine.
Molecular consequence: missense variant.
Genome position (GRCh38, 1-based): chr15:50,722,144, T>C on the plus strand (A>G on the coding strand, the complement: SPPL2A is on the minus strand). VCF-style: chr15-50722144-T-C. GRCh37 (hg19) VCF-style: chr15-51014341-T-C.
Other names: short protein forms Y436C.
Identifiers: ClinVar variation 2768846 (VCV002768846.3), dbSNP rs2542802462, ClinGen allele CA392408182.